The following is an entry in ClinVar:

NM_002439.5(MSH3):c.2741T>C (p.Ile914Thr)

Gene: MSH3 (mutS homolog 3; plus strand). Cytogenetic location: 5q14.1.
Variant type: single nucleotide variant.
Coding change: c.2741T>C on transcript NM_002439.5 (MANE Select); coding-DNA position 2741, T replaced by C.
Protein change: p.Ile914Thr; replaces isoleucine 914 with threonine.
Molecular consequence: missense variant.
Genome position (GRCh38, 1-based): chr5:80,813,669, T>C. VCF-style: chr5-80813669-T-C. GRCh37 (hg19) VCF-style: chr5-80109488-T-C.
Other names: short protein forms I914T.
Identifiers: ClinVar variation 1330126 (VCV001330126.9), dbSNP rs757861627, ClinGen allele CA3328342.
Genomic context (GRCh38, chr5:80,813,669, plus strand): 5'-TTACCGGACCAAACATGGGTGGAAAGAGCTCCTACATAAAACAAGTTGCATTGATTACCA[T>C]CATGGCTCAGATTGGCTCCTATGTTCCTGCAGAAGAAGCGACAATTGGGATTGTGGATGG-3'
Protein context (NP_002430.3, residues 904-924): SYIKQVALIT[Ile914Thr]MAQIGSYVPA

ClinVar aggregate classification (germline): Uncertain significance. Review status: criteria provided, multiple submitters, no conflicts (2 of 4 stars). 3 submissions from 3 submitters: Uncertain significance (3). Last evaluated 2023-07-26.

Conditions:
Hereditary cancer-predisposing syndrome. Also called: Hereditary Cancer Syndrome; Tumor predisposition; Neoplastic Syndromes, Hereditary; Hereditary neoplastic syndrome. Identifiers: Orphanet 140162, MedGen C0027672, MeSH D009386, MONDO:0015356.

Allele frequency attached by ClinVar (database versions not stated): gnomAD exomes below 0.00001 and 0.00001; ExAC 0.00001; gnomAD 0.00001; TOPMed 0.00001.
gnomAD v4.1: 3 of 1,614,044 alleles (0.00019%); highest among the groups gnomAD compares: African/African-American, 0.004%; no homozygotes.

Submissions (3):

Ambry Genetics
Classification: Uncertain significance for Hereditary cancer-predisposing syndrome. Last evaluated: 2023-07-26. Review status: criteria provided, single submitter. Criteria: Ambry Variant Classification Scheme 2023. Collection method: clinical testing. Allele origin: germline.
Comment: The p.I914T variant (also known as c.2741T>C), located in coding exon 20 of the MSH3 gene, results from a T to C substitution at nucleotide position 2741. The isoleucine at codon 914 is replaced by threonine, an amino acid with similar properties. This amino acid position is not well conserved in available vertebrate species. In addition, the in silico prediction for this alteration is inconclusive. Since supporting evidence is limited at this time, the clinical significance of this alteration remains unclear.

Labcorp Genetics (formerly Invitae), Labcorp
Classification: Uncertain significance. Last evaluated: 2023-03-04. Review status: criteria provided, single submitter. Criteria: Invitae Variant Classification Sherloc (09022015). Collection method: clinical testing. Allele origin: germline.
Comment: This sequence change replaces isoleucine, which is neutral and non-polar, with threonine, which is neutral and polar, at codon 914 of the MSH3 protein (p.Ile914Thr). This variant is present in population databases (rs757861627, gnomAD 0.01%). This variant has not been reported in the literature in individuals affected with MSH3-related conditions. ClinVar contains an entry for this variant (Variation ID: 1330126). An algorithm developed to predict the effect of missense changes on protein structure and function (PolyPhen-2) suggests that this variant is likely to be disruptive. In summary, the available evidence is currently insufficient to determine the role of this variant in disease. Therefore, it has been classified as a Variant of Uncertain Significance.

Quest Diagnostics Nichols Institute San Juan Capistrano
Classification: Uncertain significance. Last evaluated: 2021-05-17. Review status: criteria provided, single submitter. Criteria: Quest Diagnostics criteria. Collection method: clinical testing. Allele origin: unknown.